The following is an entry in ClinVar:

NM_001142800.2(EYS):c.7050C>A (p.Cys2350Ter)

Gene: EYS (EGF-like photoreceptor maintenance factor; minus strand). Cytogenetic location: 6q12.
Variant type: single nucleotide variant.
Coding change: c.7050C>A on transcript NM_001142800.2 (MANE Select); coding-DNA position 7050, C replaced by A.
Protein change: p.Cys2350Ter; replaces cysteine 2350 with a stop codon.
Molecular consequence: nonsense.
Genome position (GRCh38, 1-based): chr6:63,984,388, G>T on the plus strand (C>A on the coding strand, the complement: EYS is on the minus strand). VCF-style: chr6-63984388-G-T. GRCh37 (hg19) VCF-style: chr6-64694281-G-T.
Other names: c.7050C>A, p.Cys2350Ter (NM_001292009.2); short protein forms C2350*.
Identifiers: ClinVar variation 4067607 (VCV004067607.2).
Genomic context (GRCh38, chr6:63,984,388, plus strand): 5'-TTTAAGAATTTGGAGTCATGTAACGTAGGTTGGGAATCAGGAGACTAATACTGACCTGAT[G>T]CAGGTGCCATTGTTGCGGCACAGATGATGAGCACACCAAGGGACGTGGCAGTTCTCAATA-3'

ClinVar aggregate classification (germline): Likely pathogenic (1 of 4 stars; one submission).

Conditions:
Retinitis pigmentosa 25 (RP25). Identifiers: Orphanet 791, MedGen C1864446, MONDO:0011272, OMIM 602772.

Submission:

Natera, Inc.
Classification: Likely pathogenic for Retinitis pigmentosa type 25. Last evaluated: 2025-04-30. Review status: criteria provided, single submitter. Criteria: Natera Variant Classification Schema (03/2026). Collection method: clinical testing. Allele origin: germline.
Comment: The c.7050C>A variant in EYS is a nonsense variant predicted to introduce a stop codon at amino acid 2350. This variant is expected to result in nonsense mediated decay, truncation, or a dysfunctional protein product. This variant is rare in the general population with a frequency below the threshold expected for the associated phenotype(s). Given the available evidence, this variant is classified as Likely Pathogenic.